The following is an entry in ClinVar:

ClinVar aggregate classification (germline): Uncertain significance (1 of 4 stars; one submission).

Conditions:
Ehlers-Danlos syndrome, kyphoscoliotic type, 2. Also called: FKBP14-Kyphoscoliotic Ehlers-Danlos Syndrome; Ehlers-Danlos syndrome, kyphoscoliotic and deafness type; Ehlers-Danlos syndrome with progressive kyphoscoliosis, myopathy, and hearing loss. Identifiers: Orphanet 300179, MedGen C3281160, MONDO:0013800, OMIM 614557.

Submission:

Labcorp Genetics (formerly Invitae), Labcorp
Classification: Uncertain significance for Ehlers-Danlos syndrome, kyphoscoliotic type, 2. Last evaluated: 2024-12-09. Review status: criteria provided, single submitter. Criteria: Invitae Variant Classification Sherloc (09022015). Collection method: clinical testing. Allele origin: germline.
Comment: This sequence change replaces histidine, which is basic and polar, with tyrosine, which is neutral and polar, at codon 208 of the FKBP14 protein (p.His208Tyr). This variant is not present in population databases (gnomAD no frequency). This variant has not been reported in the literature in individuals affected with FKBP14-related conditions. An algorithm developed to predict the effect of missense changes on protein structure and function (PolyPhen-2) suggests that this variant is likely to be disruptive. In summary, the available evidence is currently insufficient to determine the role of this variant in disease. Therefore, it has been classified as a Variant of Uncertain Significance.

NM_017946.4(FKBP14):c.622C>T (p.His208Tyr)

Genes: FKBP14 (FKBP prolyl isomerase 14; minus strand), FKBP14-AS1 (FKBP14 antisense RNA 1; plus strand). Cytogenetic location: 7p14.3.
Variant type: single nucleotide variant.
Coding change: c.622C>T on transcript NM_017946.4 (MANE Select); coding-DNA position 622, C replaced by T.
Protein change: p.His208Tyr; replaces histidine 208 with tyrosine.
Molecular consequence: missense variant. On other transcripts: non-coding transcript variant (2).
Genome position (GRCh38, 1-based): chr7:30,014,749, G>A on the plus strand (C>T on the coding strand, the complement: FKBP14 is on the minus strand). VCF-style: chr7-30014749-G-A. GRCh37 (hg19) VCF-style: chr7-30054365-G-A.
Other names: short protein forms H208Y.
Identifiers: ClinVar variation 3700518 (VCV003700518.2).
Genomic context (GRCh38, chr7:30,014,749, plus strand): 5'-CCCTCTCTTGAAAGATGAGTGCTATATTAAAAGGGTAGATGTATCTCTATAACTCATCGT[G>A]TTTATATGTAAATTCTCTGGCAGATATAAACCCATCTTTGTCTTCATCTTCTTTATCAAA-3'
Protein context (NP_060416.1, residues 198-211): FISAREFTYK[His208Tyr]DEL